The following is an entry in ClinVar:

NM_000081.4(LYST):c.4099G>A (p.Glu1367Lys)

Gene: LYST (lysosomal trafficking regulator; minus strand). Cytogenetic location: 1q42.3.
Variant type: single nucleotide variant.
Coding change: c.4099G>A on transcript NM_000081.4 (MANE Select); coding-DNA position 4099, G replaced by A.
Protein change: p.Glu1367Lys; replaces glutamic acid 1367 with lysine.
Molecular consequence: missense variant.
Genome position (GRCh38, 1-based): chr1:235,793,520, C>T on the plus strand (G>A on the coding strand, the complement: LYST is on the minus strand). VCF-style: chr1-235793520-C-T. GRCh37 (hg19) VCF-style: chr1-235956820-C-T.
Other names: c.4099G>A, p.Glu1367Lys (NM_001301365.1); c.4099G>A (NM_000081.2); short protein forms E1367K.
Identifiers: ClinVar variation 946932 (VCV000946932.9), dbSNP rs541069550, ClinGen allele CA1466926.

ClinVar aggregate classification (germline): Uncertain significance. Review status: criteria provided, multiple submitters, no conflicts (2 of 4 stars). 2 submissions from 2 submitters: Uncertain significance (2). Last evaluated 2025-05-05.

Conditions:
Inborn genetic diseases. Identifiers: MedGen C0950123, MeSH D030342.
Chédiak-Higashi syndrome (CHS). Also called: Chediak-Higashi Syndrome. Identifiers: Orphanet 167, MedGen C0007965, MONDO:0008963, OMIM 214500.

Allele frequency attached by ClinVar (database versions not stated): gnomAD exomes below 0.00001; ExAC 0.00001; gnomAD 0.00001; TOPMed 0.00001; 1000 Genomes Project 30x 0.00016; 1000 Genomes Project 0.00020.
gnomAD v4.1: 4 of 1,552,812 alleles (0.00026%); highest among the groups gnomAD compares: Admixed American, 0.0068%; no homozygotes.

Submissions (2):

Ambry Genetics
Classification: Uncertain significance for Inborn genetic diseases. Last evaluated: 2025-05-05. Review status: criteria provided, single submitter. Criteria: Ambry Variant Classification Scheme 2023. Collection method: clinical testing. Allele origin: germline.

Labcorp Genetics (formerly Invitae), Labcorp
Classification: Uncertain significance for Chédiak-Higashi syndrome. Last evaluated: 2024-09-17. Review status: criteria provided, single submitter. Criteria: Invitae Variant Classification Sherloc (09022015). Collection method: clinical testing. Allele origin: germline.
Comment: This sequence change replaces glutamic acid, which is acidic and polar, with lysine, which is basic and polar, at codon 1367 of the LYST protein (p.Glu1367Lys). This variant is present in population databases (rs541069550, gnomAD 0.003%). This variant has not been reported in the literature in individuals affected with LYST-related conditions. ClinVar contains an entry for this variant (Variation ID: 946932). Invitae Evidence Modeling of protein sequence and biophysical properties (such as structural, functional, and spatial information, amino acid conservation, physicochemical variation, residue mobility, and thermodynamic stability) indicates that this missense variant is not expected to disrupt LYST protein function with a negative predictive value of 80%. In summary, the available evidence is currently insufficient to determine the role of this variant in disease. Therefore, it has been classified as a Variant of Uncertain Significance.